The following is an entry in ClinVar:

NM_000062.3(SERPING1):c.1196C>G (p.Pro399Arg)

Gene: SERPING1 (serpin family G member 1; plus strand). Cytogenetic location: 11q12.1.
Variant type: single nucleotide variant.
Coding change: c.1196C>G on transcript NM_000062.3 (MANE Select); coding-DNA position 1196, C replaced by G.
Protein change: p.Pro399Arg; replaces proline 399 with arginine.
Molecular consequence: missense variant.
Genome position (GRCh38, 1-based): chr11:57,611,883, C>G. VCF-style: chr11-57611883-C-G. GRCh37 (hg19) VCF-style: chr11-57379356-C-G.
Other names: c.1196C>G, p.Pro399Arg (NM_001032295.2); short protein forms P399R.
Identifiers: ClinVar variation 2575091 (VCV002575091.1), dbSNP rs2135324770, ClinGen allele CA380703351.
Genomic context (GRCh38, chr11:57,611,883, plus strand): 5'-TCAAGGCCATCATGGAGAAACTGGAGATGTCCAAGTTCCAGCCCACTCTCCTAACACTAC[C>G]CCGCATCAAAGTGACGACCAGCCAGGATATGCTCTCAATCATGGAGAAATTGGGTGAGCT-3'
Protein context (NP_000053.2, residues 389-409): SKFQPTLLTL[Pro399Arg]RIKVTTSQDM

ClinVar aggregate classification (germline): Pathogenic (1 of 4 stars; one submission).

Conditions:
Hereditary angioedema type 1 (HAE1). Identifiers: Orphanet 100050, Orphanet 100051, Orphanet 91378, MedGen C2717906, MONDO:0015053, OMIM 106100.

Submission:

HUSP Clinical Genetics Laboratory, Hospital Universitario San Pedro De Logroño (HUSP)
Classification: Pathogenic for Hereditary angioedema type 1. Review status: criteria provided, single submitter. Criteria: ACMG Guidelines, 2015. Collection method: clinical testing. Allele origin: unknown. Inheritance: Autosomal dominant inheritance. Affected: yes. Observed: 1 variant allele.
Comment: The c.1196C>G variant in the 7 exon of the SERPING1 gene (NM_000062) results in a change of the predicted protein because of a substitution of a proline amino acid for arginine (p.P399R). The variant has not been detected in general population. Pathogenic variants in the SERPING1 gene have been associated with the following phenotype: Angioedema hereditary (OMIM: 106100), with autosomal dominant inheritance.